The following is an entry in ClinVar:

ClinVar aggregate classification (germline): Uncertain significance. Review status: criteria provided, multiple submitters, no conflicts (2 of 4 stars). 3 submissions from 3 submitters: Uncertain significance (3). Last evaluated 2026-07-23.

Conditions:
AASS-related disorder. Also called: AASS-related condition.
Inborn genetic diseases. Identifiers: MedGen C0950123, MeSH D030342.

Allele frequency attached by ClinVar (database versions not stated): TOPMed 0.00043; ESP Exome Variant Server 0.00046; gnomAD exomes 0.00051 and 0.00058; gnomAD 0.00066 and 0.00068; ExAC 0.00067.
gnomAD v4.1: 833 of 1,613,782 alleles (0.052%); highest among the groups gnomAD compares: Non-Finnish European, 0.058%; no homozygotes.

Submissions (3):

PreventionGenetics, part of Exact Sciences
Classification: Uncertain significance for AASS-related condition. Last evaluated: 2026-07-23. Review status: criteria provided, single submitter. Criteria: ACMG Guidelines, 2015. Collection method: clinical testing. Allele origin: germline.
Comment: The AASS c.2312C>T variant is predicted to result in the amino acid substitution p.Ser771Leu. To our knowledge, this variant has not been reported in the literature. This variant is reported in 0.14% of alleles in individuals of European (Finnish) descent in gnomAD. At this time, the clinical significance of this variant is uncertain due to the absence of conclusive functional and genetic evidence.

Labcorp Genetics (formerly Invitae), Labcorp
Classification: Uncertain significance. Last evaluated: 2024-11-05. Review status: criteria provided, single submitter. Criteria: Invitae Variant Classification Sherloc (09022015). Collection method: clinical testing. Allele origin: germline.
Comment: This sequence change replaces serine, which is neutral and polar, with leucine, which is neutral and non-polar, at codon 771 of the AASS protein (p.Ser771Leu). This variant is present in population databases (rs139513373, gnomAD 0.1%), and has an allele count higher than expected for a pathogenic variant. This variant has not been reported in the literature in individuals affected with AASS-related conditions. ClinVar contains an entry for this variant (Variation ID: 1502065). Invitae Evidence Modeling of protein sequence and biophysical properties (such as structural, functional, and spatial information, amino acid conservation, physicochemical variation, residue mobility, and thermodynamic stability) indicates that this missense variant is not expected to disrupt AASS protein function with a negative predictive value of 80%. In summary, the available evidence is currently insufficient to determine the role of this variant in disease. Therefore, it has been classified as a Variant of Uncertain Significance.

Ambry Genetics
Classification: Uncertain significance for Inborn genetic diseases. Last evaluated: 2022-07-05. Review status: criteria provided, single submitter. Criteria: Ambry Variant Classification Scheme 2023. Collection method: clinical testing. Allele origin: germline.

NM_005763.4(AASS):c.2312C>T (p.Ser771Leu)

Gene: AASS (aminoadipate-semialdehyde synthase; minus strand). Cytogenetic location: 7q31.32.
Variant type: single nucleotide variant.
Coding change: c.2312C>T on transcript NM_005763.4 (MANE Select); coding-DNA position 2312, C replaced by T.
Protein change: p.Ser771Leu; replaces serine 771 with leucine.
Molecular consequence: missense variant.
Genome position (GRCh38, 1-based): chr7:122,079,681, G>A on the plus strand (C>T on the coding strand, the complement: AASS is on the minus strand). VCF-style: chr7-122079681-G-A. GRCh37 (hg19) VCF-style: chr7-121719735-G-A.
Other names: c.2312C>T (NM_005763.3); short protein forms S771L.
Identifiers: ClinVar variation 1502065 (VCV001502065.6), dbSNP rs139513373, ClinGen allele CA4458061.